The following is an entry in ClinVar:

NM_004793.4(LONP1):c.2481G>A (p.Gln827=)

Gene: LONP1 (lon peptidase 1, mitochondrial; minus strand). Cytogenetic location: 19p13.3.
Variant type: single nucleotide variant.
Coding change: c.2481G>A on transcript NM_004793.4 (MANE Select); coding-DNA position 2481, G replaced by A.
Protein change: p.Gln827=; no amino-acid change (glutamine 827 retained).
Molecular consequence: synonymous variant. On other transcripts: non-coding transcript variant (1).
Genome position (GRCh38, 1-based): chr19:5,693,609, C>T on the plus strand (G>A on the coding strand, the complement: LONP1 is on the minus strand). VCF-style: chr19-5693609-C-T. GRCh37 (hg19) VCF-style: chr19-5693620-C-T.
Other names: c.2289G>A, p.Gln763= (NM_001276479.2); c.1893G>A, p.Gln631= (NM_001276480.1).
Identifiers: ClinVar variation 713399 (VCV000713399.12), dbSNP rs149333067, ClinGen allele CA9114104.

ClinVar aggregate classification (germline): Benign. Review status: criteria provided, single submitter (1 of 4 stars). 2 submissions from 2 submitters: Benign (1). 1 of the submissions does not count toward it. Last evaluated 2025-11-01.

Conditions:
LONP1-related disorder. Also called: LONP1-related condition; LONP1-related disorders.

Allele frequency attached by ClinVar (database versions not stated): gnomAD exomes 0.00007 and 0.00027; ExAC 0.00034; gnomAD 0.00082 and 0.00088; TOPMed 0.00089; ESP Exome Variant Server 0.00115; 1000 Genomes Project 0.00140; 1000 Genomes Project 30x 0.00156.
gnomAD v4.1: 236 of 1,614,084 alleles (0.015%); highest among the groups gnomAD compares: African/African-American, 0.29%; 1 homozygote.

Submissions (2):

Labcorp Genetics (formerly Invitae), Labcorp
Classification: Benign. Last evaluated: 2025-11-01. Review status: criteria provided, single submitter. Criteria: Invitae Variant Classification Sherloc (09022015). Collection method: clinical testing. Allele origin: germline.

PreventionGenetics, part of Exact Sciences
Classification: Likely benign for LONP1-related condition. Last evaluated: 2019-03-21. Review status: no assertion criteria provided. Collection method: clinical testing. Allele origin: germline. Not counted in ClinVar's aggregate classification.
Comment: This variant is classified as likely benign based on ACMG/AMP sequence variant interpretation guidelines (Richards et al. 2015 PMID: 25741868, with internal and published modifications).